The following is an entry in ClinVar:

ClinVar aggregate classification (germline): Likely benign. Review status: criteria provided, multiple submitters, no conflicts (2 of 4 stars). 2 submissions from 2 submitters: Likely benign (2). Last evaluated 2025-02-19.

Conditions:
FDFT1-related disorder. Also called: FDFT1-related condition.

Submissions (2):

PreventionGenetics, part of Exact Sciences
Classification: Likely benign for FDFT1-related condition. Last evaluated: 2025-02-19. Review status: criteria provided, single submitter. Criteria: ACMG Guidelines, 2015. Collection method: clinical testing. Allele origin: germline.
Comment: This variant is classified as likely benign based on ACMG/AMP sequence variant interpretation guidelines (Richards et al. 2015 PMID: 25741868, with internal and published modifications).

Blueprint Genetics
Classification: Likely benign. Last evaluated: 2024-11-07. Review status: criteria provided, single submitter. Criteria: ACMG Guidelines, 2015. Collection method: clinical testing. Allele origin: germline.

NM_004462.5(FDFT1):c.879+9G>T

Gene: FDFT1 (farnesyl-diphosphate farnesyltransferase 1). Cytogenetic location: 8p23.1.
Variant type: single nucleotide variant.
Coding change: c.879+9G>T on transcript NM_004462.5 (MANE Select); 9 bases into the intron after coding-DNA position 879, G replaced by T.
Molecular consequence: intron variant.
Genome position (GRCh38, 1-based): chr8:11,830,429, G>T. VCF-style: chr8-11830429-G-T. GRCh37 (hg19) VCF-style: chr8-11687938-G-T.
Other names: c.1056+9G>T (NM_001287750.1, NM_001287750.2); c.879+9G>T (NM_001287742.2, NM_001287743.2); c.687+9G>T (NM_001287744.2, NM_001287745.2, NM_001287747.2 and 2 more transcripts); c.378+9G>T (NM_001287756.2); c.624+9G>T (NM_001287751.2).
Identifiers: ClinVar variation 4899560 (VCV004899560.2).